The following is an entry in ClinVar:

ClinVar aggregate classification (germline): Likely benign (1 of 4 stars; one submission).

Submission:

CeGaT Center for Human Genetics Tuebingen
Classification: Likely benign. Last evaluated: 2022-06-01. Review status: criteria provided, single submitter. Criteria: CeGaT Center For Human Genetics Tuebingen Variant Classification Criteria Version 2. Collection method: clinical testing. Allele origin: germline. Affected: yes. Observed: 1 variant allele.
Comment: SEPTIN9: PM2:Supporting, BP4, BP7

NM_001113491.2(SEPTIN9):c.1206C>T (p.Arg402=)

Gene: SEPTIN9 (septin 9; plus strand). Cytogenetic location: 17q25.3.
Variant type: single nucleotide variant.
Coding change: c.1206C>T on transcript NM_001113491.2 (MANE Select); coding-DNA position 1206, C replaced by T.
Protein change: p.Arg402=; no amino-acid change (arginine 402 retained).
Molecular consequence: synonymous variant.
Genome position (GRCh38, 1-based): chr17:77,488,808, C>T. VCF-style: chr17-77488808-C-T. GRCh37 (hg19) VCF-style: chr17-75484890-C-T.
Other names: c.714C>T, p.Arg238= (NM_001113492.2, NM_001113494.1); c.1185C>T, p.Arg395= (NM_001113493.2); c.453C>T, p.Arg151= (NM_001113495.2, NM_001113496.2, NM_001293697.2 and 1 more transcripts); c.1149C>T, p.Arg383= (NM_001293695.2); c.534C>T, p.Arg178= (NM_001293696.2); c.1152C>T, p.Arg384= (NM_006640.5).
Identifiers: ClinVar variation 2648332 (VCV002648332.24), dbSNP rs2510112580, ClinGen allele CA501954096.